The following is an entry in ClinVar:

NM_024597.4(MAP7D3):c.1261A>G (p.Ser421Gly)

Gene: MAP7D3 (MAP7 domain containing 3; minus strand). Cytogenetic location: Xq26.3.
Variant type: single nucleotide variant.
Coding change: c.1261A>G on transcript NM_024597.4 (MANE Select); coding-DNA position 1261, A replaced by G.
Protein change: p.Ser421Gly; replaces serine 421 with glycine.
Molecular consequence: missense variant.
Genome position (GRCh38, 1-based): chrX:136,231,696, T>C on the plus strand (A>G on the coding strand, the complement: MAP7D3 is on the minus strand). VCF-style: chrX-136231696-T-C. GRCh37 (hg19) VCF-style: chrX-135313855-T-C.
Other names: c.1207A>G, p.Ser403Gly (NM_001173516.1); c.1156A>G, p.Ser386Gly (NM_001173517.2); short protein forms S386G, S403G, S421G.
Identifiers: ClinVar variation 3043942 (VCV003043942.2), dbSNP rs746132174, ClinGen allele CA10525541.
Genomic context (GRCh38, chrX:136,231,696, plus strand): 5'-ATGCCTCCATGCTCTCCTTGGGTGACCCTTTCACACTCTCCTTGGGGGCTACTTCTGCGC[T>C]CCCCTTGGGAGGTGCTTCCAGGCTCCCCTCTGGGGCTGCTTCCACGCTCACCTCTGGCAG-3'
Protein context (NP_078873.2, residues 411-431): EGSLEAPPKG[Ser421Gly]AEVAPKESVK

ClinVar aggregate classification (germline): Benign (0 of 4 stars; one submission).

Conditions:
MAP7D3-related disorder. Also called: MAP7D3-related condition.

Allele frequency attached by ClinVar (database versions not stated): TOPMed 0.00005; gnomAD 0.00018; gnomAD exomes 0.00051; ExAC 0.00143; 1000 Genomes Project 30x 0.00187; 1000 Genomes Project 0.00212.
gnomAD v4.1: 572 of 1,207,271 alleles (0.047%); highest among the groups gnomAD compares: South Asian, 0.92%; 2 homozygotes.

Submission:

PreventionGenetics, part of Exact Sciences
Classification: Benign for MAP7D3-related condition. Last evaluated: 2019-06-07. Review status: no assertion criteria provided. Collection method: clinical testing. Allele origin: germline.
Comment: This variant is classified as benign based on ACMG/AMP sequence variant interpretation guidelines (Richards et al. 2015 PMID: 25741868, with internal and published modifications).